The following is an entry in ClinVar:

NM_001134363.3(RBM20):c.2537del (p.Met846fs)

Gene: RBM20 (RNA binding motif protein 20; plus strand). Cytogenetic location: 10q25.2.
Variant type: Deletion.
Coding change: c.2537del on transcript NM_001134363.3 (MANE Select); coding-DNA position 2537, one base deleted (T; older notation c.2537delT).
Protein change: p.Met846fs; shifts the reading frame from methionine 846.
Molecular consequence: frameshift variant.
Genome position (GRCh38, 1-based): chr10:110,812,934, T deleted. VCF-style (leftmost placement, unchanged base first): chr10-110812933-AT-A. GRCh37 (hg19) VCF-style: chr10-112572691-AT-A.
Other names: short protein forms M846fs.
Identifiers: ClinVar variation 5041766 (VCV005041766.1).

ClinVar aggregate classification (germline): Uncertain significance (1 of 4 stars; one submission).

Submission:

CeGaT Center for Human Genetics Tuebingen
Classification: Uncertain significance. Last evaluated: 2026-09-01. Review status: criteria provided, single submitter. Criteria: CeGaT Center For Human Genetics Tuebingen Variant Classification Criteria Version 2. Collection method: clinical testing. Allele origin: germline. Affected: yes. Observed: 1 variant allele.
Comment: RBM20: PM2